The following is an entry in ClinVar:

ClinVar aggregate classification (germline): Pathogenic (1 of 4 stars; one submission).

Conditions:
Leber congenital amaurosis 13 (LCA13). Identifiers: MedGen C2675186, MONDO:0012990, OMIM 612712.

Submission:

Labcorp Genetics (formerly Invitae), Labcorp
Classification: Pathogenic for Leber congenital amaurosis 13. Last evaluated: 2022-08-21. Review status: criteria provided, single submitter. Criteria: Invitae Variant Classification Sherloc (09022015). Collection method: clinical testing. Allele origin: germline.
Comment: This variant has not been reported in the literature in individuals affected with RDH12-related conditions. For these reasons, this variant has been classified as Pathogenic. This variant is not present in population databases (gnomAD no frequency). This sequence change creates a premature translational stop signal (p.Val92Glyfs*19) in the RDH12 gene. It is expected to result in an absent or disrupted protein product. Loss-of-function variants in RDH12 are known to be pathogenic (PMID: 17964524, 22065924, 32014858, 34001834).

Literature cited by the submitters: PubMed 17964524; PubMed 22065924; PubMed 32014858; PubMed 34001834.

NM_152443.3(RDH12):c.272dup (p.Val92fs)

Genes: RDH12 (retinol dehydrogenase 12; plus strand), GPHN (gephyrin; plus strand). Cytogenetic location: 14q24.1.
Variant type: Duplication.
Coding change: c.272dup on transcript NM_152443.3 (MANE Select); coding-DNA position 272, one base duplicated (A; older notation c.272dupA).
Protein change: p.Val92fs; shifts the reading frame from valine 92.
Molecular consequence: frameshift variant.
Genome position (GRCh38, 1-based): chr14:67,725,183, A duplicated. VCF-style (leftmost placement, unchanged base first): chr14-67725182-C-CA. GRCh37 (hg19) VCF-style: chr14-68191899-C-CA.
Other names: short protein forms V92fs.
Identifiers: ClinVar variation 1988417 (VCV001988417.4), dbSNP rs2503798515, ClinGen allele CA2580088592.
Genomic context (GRCh38, chr14:67,725,182, plus strand): 5'-AGAGATGTACTGAAGGGGGAGTCTGCTGCCAGTGAAATCCGAGTGGATACAAAGAACTCC[C>CA]AGGTGCTGGTGCGGAAATTGGACCTATCCGACACCAAATCTATCCGAGCCTTTGCTGAGG-3'